The following is an entry in ClinVar:

ClinVar aggregate classification (germline): Uncertain significance (1 of 4 stars; one submission).

Conditions:
Hereditary cancer-predisposing syndrome. Also called: Tumor predisposition; Hereditary Cancer Syndrome; Neoplastic Syndromes, Hereditary; Hereditary neoplastic syndrome. Identifiers: Orphanet 140162, MedGen C0027672, MeSH D009386, MONDO:0015356.

Allele frequency attached by ClinVar (database versions not stated): gnomAD exomes below 0.00001.
gnomAD v4.1: 1 of 1,614,184 alleles (0.000062%); highest among the groups gnomAD compares: Non-Finnish European, 0.000085%; no homozygotes.

Submission:

Ambry Genetics
Classification: Uncertain significance for Hereditary cancer-predisposing syndrome. Last evaluated: 2026-02-17. Review status: criteria provided, single submitter. Criteria: Ambry Variant Classification Scheme 2023. Collection method: clinical testing. Allele origin: germline.
Comment: The p.A2633G variant (also known as c.7898C>G), located in coding exon 16 of the BRCA2 gene, results from a C to G substitution at nucleotide position 7898. The alanine at codon 2633 is replaced by glycine, an amino acid with similar properties. Two saturation genome editing-based studies, including a haploid cell-survival assay and a humanized mouse embryonic stem cell line assay of drug response and survival, demonstrate that this nucleotide substitution is functional (Huang H et al. Nature. 2025 Feb;638(8050):528-537; Sahu S et al. Nature. 2025 Feb;638(8050):538-545). This amino acid position is well conserved in available vertebrate species. In addition, the in silico prediction for this alteration is inconclusive. Based on the available evidence, the clinical significance of this variant remains unclear.

NM_000059.4(BRCA2):c.7898C>G (p.Ala2633Gly)

Gene: BRCA2 (BRCA2 DNA repair associated; plus strand). Cytogenetic location: 13q13.1.
Variant type: single nucleotide variant.
Coding change: c.7898C>G on transcript NM_000059.4 (MANE Select); coding-DNA position 7898, C replaced by G.
Protein change: p.Ala2633Gly; replaces alanine 2633 with glycine.
Molecular consequence: missense variant.
Genome position (GRCh38, 1-based): chr13:32,362,615, C>G. VCF-style: chr13-32362615-C-G. GRCh37 (hg19) VCF-style: chr13-32936752-C-G.
Other names: short protein forms A2633G.
Identifiers: ClinVar variation 483030 (VCV000483030.6), dbSNP rs1555286846, ClinGen allele CA387747142.